The following is an entry in ClinVar:

NM_001256012.3(MYH10):c.5047G>C (p.Ala1683Pro)

Gene: MYH10 (myosin heavy chain 10; minus strand). Cytogenetic location: 17p13.1.
Variant type: single nucleotide variant.
Coding change: c.5047G>C on transcript NM_001256012.3 (MANE Select); coding-DNA position 5047, G replaced by C.
Protein change: p.Ala1683Pro; replaces alanine 1683 with proline.
Molecular consequence: missense variant.
Genome position (GRCh38, 1-based): chr17:8,484,266, C>G on the plus strand (G>C on the coding strand, the complement: MYH10 is on the minus strand). VCF-style: chr17-8484266-C-G. GRCh37 (hg19) VCF-style: chr17-8387584-C-G.
Other names: c.4981G>C, p.Ala1661Pro (NM_001256095.2); c.4984G>C, p.Ala1662Pro (NM_001375266.1); c.4954G>C, p.Ala1652Pro (NM_005964.5); short protein forms A1652P, A1661P, A1662P, A1683P.
Identifiers: ClinVar variation 2628453 (VCV002628453.2), dbSNP rs2151790290, ClinGen allele CA398043155.
Genomic context (GRCh38, chr17:8,484,266, plus strand): 5'-AAATCTCATCTCTGGATGCACGAGCTTCTTCTAATTCACGTTGGTAATCCTTCATCTGAG[C>G]CTAAGATTAAATAAGAAGGTTTTGGGGTGGTTTACATTCTTAGTTTTAGTTAAAATAAAA-3'
Protein context (NP_001242941.1, residues 1673-1693): EVIKQLRKLQ[Ala1683Pro]QMKDYQRELE

ClinVar aggregate classification (germline): Uncertain significance (1 of 4 stars; one submission).

Conditions:
MYH10-related disorder. Also called: MYH10-related condition.

Allele frequency attached by ClinVar (database versions not stated): gnomAD exomes below 0.00001.
gnomAD v4.1: 1 of 1,602,298 alleles (0.000062%); highest among the groups gnomAD compares: Non-Finnish European, 0.000085%; no homozygotes.

Submission:

PreventionGenetics, part of Exact Sciences
Classification: Uncertain significance for MYH10-related condition. Last evaluated: 2025-02-05. Review status: criteria provided, single submitter. Criteria: ACMG Guidelines, 2015. Collection method: clinical testing. Allele origin: germline.
Comment: The MYH10 c.5047G>C variant is predicted to result in the amino acid substitution p.Ala1683Pro. To our knowledge, this variant has not been reported in the literature or in a large population database, indicating this variant is rare. At this time, the clinical significance of this variant is uncertain due to the absence of conclusive functional and genetic evidence.